The following is an entry in ClinVar:

NM_016284.5(CNOT1):c.4015A>G (p.Thr1339Ala)

Gene: CNOT1 (CCR4-NOT transcription complex subunit 1; minus strand). Cytogenetic location: 16q21.
Variant type: single nucleotide variant.
Coding change: c.4015A>G on transcript NM_016284.5 (MANE Select); coding-DNA position 4015, A replaced by G.
Protein change: p.Thr1339Ala; replaces threonine 1339 with alanine.
Molecular consequence: missense variant. On other transcripts: non-coding transcript variant (1).
Genome position (GRCh38, 1-based): chr16:58,545,483, T>C on the plus strand (A>G on the coding strand, the complement: CNOT1 is on the minus strand). VCF-style: chr16-58545483-T-C. GRCh37 (hg19) VCF-style: chr16-58579387-T-C.
Other names: c.4000A>G, p.Thr1334Ala (NM_001265612.2); c.4015A>G, p.Thr1339Ala (NM_206999.3); short protein forms T1339A, T1334A.
Identifiers: ClinVar variation 2187475 (VCV002187475.4), dbSNP rs185370562, ClinGen allele CA8089254.

ClinVar aggregate classification (germline): Uncertain significance (1 of 4 stars; one submission).

Allele frequency attached by ClinVar (database versions not stated): gnomAD 0.00002; TOPMed 0.00005; 1000 Genomes Project 0.00020; 1000 Genomes Project 30x 0.00031.
gnomAD v4.1: 52 of 1,613,878 alleles (0.0032%); highest among the groups gnomAD compares: Admixed American, 0.04%; no homozygotes.

Submission:

Labcorp Genetics (formerly Invitae), Labcorp
Classification: Uncertain significance. Last evaluated: 2024-07-31. Review status: criteria provided, single submitter. Criteria: Invitae Variant Classification Sherloc (09022015). Collection method: clinical testing. Allele origin: germline.
Comment: This sequence change replaces threonine, which is neutral and polar, with alanine, which is neutral and non-polar, at codon 1334 of the CNOT1 protein (p.Thr1334Ala). This variant is present in population databases (rs185370562, gnomAD 0.07%), and has an allele count higher than expected for a pathogenic variant. This variant has not been reported in the literature in individuals affected with CNOT1-related conditions. ClinVar contains an entry for this variant (Variation ID: 2187475). An algorithm developed to predict the effect of missense changes on protein structure and function (PolyPhen-2) suggests that this variant is likely to be tolerated. In summary, the available evidence is currently insufficient to determine the role of this variant in disease. Therefore, it has been classified as a Variant of Uncertain Significance.